The following is an entry in ClinVar:

NM_005901.6(SMAD2):c.1082A>G (p.Asn361Ser)

Gene: SMAD2 (SMAD family member 2; minus strand). Cytogenetic location: 18q21.1.
Variant type: single nucleotide variant.
Coding change: c.1082A>G on transcript NM_005901.6 (MANE Select); coding-DNA position 1082, A replaced by G.
Protein change: p.Asn361Ser; replaces asparagine 361 with serine.
Molecular consequence: missense variant.
Genome position (GRCh38, 1-based): chr18:47,845,716, T>C on the plus strand (A>G on the coding strand, the complement: SMAD2 is on the minus strand). VCF-style: chr18-47845716-T-C. GRCh37 (hg19) VCF-style: chr18-45372087-T-C.
Other names: c.1082A>G, p.Asn361Ser (NM_001003652.4); c.1082A>G (NM_005901.4); c.992A>G, p.Asn331Ser (NM_001135937.3); short protein forms N331S, N361S.
Identifiers: ClinVar variation 2738550 (VCV002738550.4), dbSNP rs2144290354, ClinGen allele CA402504021.

ClinVar aggregate classification (germline): Uncertain significance. Review status: criteria provided, multiple submitters, no conflicts (2 of 4 stars). 2 submissions from 2 submitters: Uncertain significance (2). Last evaluated 2025-07-09.

Conditions:
Inborn genetic diseases. Identifiers: MedGen C0950123, MeSH D030342.

Allele frequency attached by ClinVar (database versions not stated): gnomAD exomes below 0.00001.
gnomAD v4.1: 2 of 1,613,916 alleles (0.00012%); highest among the groups gnomAD compares: Non-Finnish European, 0.000085%; no homozygotes.

Submissions (2):

Ambry Genetics
Classification: Uncertain significance for Inborn genetic diseases. Last evaluated: 2025-07-09. Review status: criteria provided, single submitter. Criteria: Ambry Variant Classification Scheme 2023. Collection method: clinical testing. Allele origin: germline.
Comment: The p.N361S variant (also known as c.1082A>G), located in coding exon 8 of the SMAD2 gene, results from an A to G substitution at nucleotide position 1082. The asparagine at codon 361 is replaced by serine, an amino acid with highly similar properties. This amino acid position is conserved. In addition, the in silico prediction for this alteration is inconclusive. Based on the available evidence, the clinical significance of this variant remains unclear.

Labcorp Genetics (formerly Invitae), Labcorp
Classification: Uncertain significance. Last evaluated: 2024-01-07. Review status: criteria provided, single submitter. Criteria: Invitae Variant Classification Sherloc (09022015). Collection method: clinical testing. Allele origin: germline.
Comment: This sequence change replaces asparagine, which is neutral and polar, with serine, which is neutral and polar, at codon 361 of the SMAD2 protein (p.Asn361Ser). This variant is not present in population databases (gnomAD no frequency). This variant has not been reported in the literature in individuals affected with SMAD2-related conditions. Advanced modeling of protein sequence and biophysical properties (such as structural, functional, and spatial information, amino acid conservation, physicochemical variation, residue mobility, and thermodynamic stability) performed at Invitae indicates that this missense variant is expected to disrupt SMAD2 protein function with a positive predictive value of 80%. In summary, the available evidence is currently insufficient to determine the role of this variant in disease. Therefore, it has been classified as a Variant of Uncertain Significance.